The following is an entry in ClinVar:

NM_006147.4(IRF6):c.1007T>G (p.Leu336Arg)

Gene: IRF6 (interferon regulatory factor 6; minus strand). Cytogenetic location: 1q32.2.
Variant type: single nucleotide variant.
Coding change: c.1007T>G on transcript NM_006147.4 (MANE Select); coding-DNA position 1007, T replaced by G.
Protein change: p.Leu336Arg; replaces leucine 336 with arginine.
Molecular consequence: missense variant.
Genome position (GRCh38, 1-based): chr1:209,790,548, A>C on the plus strand (T>G on the coding strand, the complement: IRF6 is on the minus strand). VCF-style: chr1-209790548-A-C. GRCh37 (hg19) VCF-style: chr1-209963893-A-C.
Other names: c.722T>G, p.Leu241Arg (NM_001206696.2); short protein forms L336R, L241R.
Identifiers: ClinVar variation 295207 (VCV000295207.7), dbSNP rs761816133, ClinGen allele CA1377223.

ClinVar aggregate classification (germline): Uncertain significance. Review status: criteria provided, multiple submitters, no conflicts (2 of 4 stars). 4 submissions from 3 submitters: Uncertain significance (4). Last evaluated 2025-07-08.

Conditions:
Inborn genetic diseases. Identifiers: MedGen C0950123, MeSH D030342.
Van der Woude syndrome 1. Also called: CLEFT LIP AND/OR PALATE WITH MUCOUS CYSTS OF LOWER LIP; van der Woude Syndrome (VWS). Identifiers: MedGen C4551864, MONDO:0007333, OMIM 119300.
Popliteal pterygium syndrome (PPS). Identifiers: Orphanet 294963, MedGen C0265259, MONDO:0017435.
Van der Woude syndrome. Identifiers: Orphanet 888, MedGen C0175697, MONDO:0019508.
Orofacial cleft 6, susceptibility to (OFC6). Also called: CLEFT LIP WITH OR WITHOUT CLEFT PALATE, NONSYNDROMIC, 6. Identifiers: MedGen C1837213, MONDO:0012141, OMIM 608864.

Allele frequency attached by ClinVar (database versions not stated): ExAC 0.00003; gnomAD exomes 0.00003 and 0.00005; gnomAD 0.00004; TOPMed 0.00005.
gnomAD v4.1: 81 of 1,614,118 alleles (0.005%); highest among the groups gnomAD compares: Non-Finnish European, 0.0068%; no homozygotes.

Submissions (4):

Labcorp Genetics (formerly Invitae), Labcorp
Classification: Uncertain significance for Orofacial cleft 6, susceptibility to; Van der Woude syndrome; Popliteal pterygium syndrome. Last evaluated: 2025-07-08. Review status: criteria provided, single submitter. Criteria: Invitae Variant Classification Sherloc (09022015). Collection method: clinical testing. Allele origin: germline.
Comment: This sequence change replaces leucine, which is neutral and non-polar, with arginine, which is basic and polar, at codon 336 of the IRF6 protein (p.Leu336Arg). This variant is present in population databases (rs761816133, gnomAD 0.007%). This variant has not been reported in the literature in individuals affected with IRF6-related conditions. ClinVar contains an entry for this variant (Variation ID: 295207). Invitae Evidence Modeling of protein sequence and biophysical properties (such as structural, functional, and spatial information, amino acid conservation, physicochemical variation, residue mobility, and thermodynamic stability) indicates that this missense variant is not expected to disrupt IRF6 protein function with a negative predictive value of 80%. In summary, the available evidence is currently insufficient to determine the role of this variant in disease. Therefore, it has been classified as a Variant of Uncertain Significance.

Ambry Genetics
Classification: Uncertain significance for Inborn genetic diseases. Last evaluated: 2024-11-15. Review status: criteria provided, single submitter. Criteria: Ambry Variant Classification Scheme 2023. Collection method: clinical testing. Allele origin: germline.

Illumina Laboratory Services, Illumina
Classification: Uncertain significance for Orofacial cleft 6, susceptibility to. Last evaluated: 2018-01-13. Review status: criteria provided, single submitter. Criteria: ICSL Variant Classification Criteria 13 December 2019. Collection method: clinical testing. Allele origin: germline.

Illumina Laboratory Services, Illumina
Classification: Uncertain significance for Van der Woude syndrome 1. Last evaluated: 2018-01-13. Review status: criteria provided, single submitter. Criteria: ICSL Variant Classification Criteria 13 December 2019. Collection method: clinical testing. Allele origin: germline.